The following is an entry in ClinVar:

NM_000062.3(SERPING1):c.550+5G>A

Gene: SERPING1 (serpin family G member 1; plus strand). Cytogenetic location: 11q12.1.
Variant type: single nucleotide variant.
Coding change: c.550+5G>A on transcript NM_000062.3 (MANE Select); 5 bases into the intron after coding-DNA position 550, G replaced by A.
Molecular consequence: intron variant.
Genome position (GRCh38, 1-based): chr11:57,600,382, G>A. VCF-style: chr11-57600382-G-A. GRCh37 (hg19) VCF-style: chr11-57367855-G-A.
Other names: c.550+5G>A (NM_001032295.2).
Identifiers: ClinVar variation 3248617 (VCV003248617.2), dbSNP rs1314284778.

ClinVar aggregate classification (germline): Pathogenic (1 of 4 stars; one submission).

Conditions:
Hereditary angioedema type 1 (HAE1). Identifiers: Orphanet 100050, Orphanet 100051, Orphanet 91378, MedGen C2717906, MONDO:0015053, OMIM 106100.

Allele frequency attached by ClinVar (database versions not stated): gnomAD exomes below 0.00001.
gnomAD v4.1: 1 of 1,612,168 alleles (0.000062%); highest among the groups gnomAD compares: Non-Finnish European, 0.000085%; no homozygotes.

Submission:

DNA-diagnostics Laboratory, Research Centre For Medical Genetics
Classification: Pathogenic for Hereditary angioedema type 1. Last evaluated: 2024-06-01. Review status: criteria provided, single submitter. Criteria: ACMG Guidelines, 2015. Collection method: research. Allele origin: germline. Inheritance: Autosomal dominant inheritance. Affected: yes. Observed: 1 heterozygote.
Comment: According to our observation and the published information of Roche et al., 2005, de la Cruz et al., 2011, Klausegger et al., 2012, Ponard et all, 2020, the c.550+5G>A variant in SERPING1 meets ACMG/ClinGen SVI guidance criteria to be classified as pathogenic: PP4_Str, PS1_Mod, PS4_Mod, PM4, PM2_Sup, PP3

Literature cited by the submitters: DOI 10.1002/humu.23917; PubMed 15971231; DOI 10.1016/j.imlet.2011.07.011; DOI 10.1038/bmt.2012.7.